The following is an entry in ClinVar:

ClinVar aggregate classification (germline): Uncertain significance. Review status: criteria provided, multiple submitters, no conflicts (2 of 4 stars). 3 submissions from 3 submitters: Uncertain significance (2). 1 of the submissions does not count toward it. Last evaluated 2022-07-05.

Conditions:
Retinitis pigmentosa 25 (RP25). Identifiers: Orphanet 791, MedGen C1864446, MONDO:0011272, OMIM 602772.

Allele frequency attached by ClinVar (database versions not stated): TOPMed below 0.00001; gnomAD 0.00001; gnomAD exomes 0.00001; ExAC 0.00005; 1000 Genomes Project 0.00020; 1000 Genomes Project 30x 0.00031.

Submissions (3):

Labcorp Genetics (formerly Invitae), Labcorp
Classification: Uncertain significance. Last evaluated: 2022-07-05. Review status: criteria provided, single submitter. Criteria: Invitae Variant Classification Sherloc (09022015). Collection method: clinical testing. Allele origin: germline.
Comment: This sequence change replaces threonine, which is neutral and polar, with isoleucine, which is neutral and non-polar, at codon 1244 of the EYS protein (p.Thr1244Ile). This variant is present in population databases (rs531860176, gnomAD 0.002%). This variant has not been reported in the literature in individuals affected with EYS-related conditions. ClinVar contains an entry for this variant (Variation ID: 1004265). Algorithms developed to predict the effect of missense changes on protein structure and function output the following: SIFT: "Deleterious"; PolyPhen-2: "Benign"; Align-GVGD: "Class C0". The isoleucine amino acid residue is found in multiple mammalian species, which suggests that this missense change does not adversely affect protein function. In summary, the available evidence is currently insufficient to determine the role of this variant in disease. Therefore, it has been classified as a Variant of Uncertain Significance.

Breakthrough Genomics
Classification: Uncertain significance. Review status: criteria provided, single submitter. Criteria: ACMG Guidelines, 2015. Collection method: not provided. Allele origin: germline. Inheritance: Autosomal recessive inheritance. Affected: yes.

Natera, Inc.
Classification: Uncertain significance for Retinitis pigmentosa type 25. Last evaluated: 2021-03-29. Review status: no assertion criteria provided. Collection method: clinical testing. Allele origin: germline. Not counted in ClinVar's aggregate classification.

NM_001142800.2(EYS):c.3731C>T (p.Thr1244Ile)

Gene: EYS (eyes shut homolog; minus strand). Cytogenetic location: 6q12.
Variant type: single nucleotide variant.
Coding change: c.3731C>T on transcript NM_001142800.2 (MANE Select); coding-DNA position 3731, C replaced by T.
Protein change: p.Thr1244Ile; replaces threonine 1244 with isoleucine.
Molecular consequence: missense variant.
Genome position (GRCh38, 1-based): chr6:64,593,263, G>A on the plus strand (C>T on the coding strand, the complement: EYS is on the minus strand). VCF-style: chr6-64593263-G-A. GRCh37 (hg19) VCF-style: chr6-65303156-G-A.
Other names: c.3731C>T, p.Thr1244Ile (NM_001292009.2); short protein forms T1244I.
Identifiers: ClinVar variation 1004265 (VCV001004265.8), dbSNP rs531860176, ClinGen allele CA3877135.